The following is an entry in ClinVar:

NM_000516.7(GNAS):c.33C>T (p.Asp11=)

Gene: GNAS (GNAS complex locus; plus strand). Cytogenetic location: 20q13.32.
Variant type: single nucleotide variant.
Coding change: c.33C>T on transcript NM_000516.7 (MANE Select); coding-DNA position 33, C replaced by T.
Protein change: p.Asp11=; no amino-acid change (aspartic acid 11 retained).
Molecular consequence: synonymous variant. On other transcripts: intron variant (6).
Genome position (GRCh38, 1-based): chr20:58,891,759, C>T. VCF-style: chr20-58891759-C-T. GRCh37 (hg19) VCF-style: chr20-57466814-C-T.
Other names: c.33C>T, p.Asp11= (NM_001077488.5, NM_001077489.4, NM_001309842.2 and 1 more transcripts); c.*43-3853C>T (NM_016592.5); c.-38-3853C>T (NM_001309861.2); c.*1-3853C>T (NM_001077490.3); c.2069-3853C>T (NM_080425.4); c.*159-3853C>T (NM_001309883.1); c.-39+2406C>T (NM_001309840.2).
Identifiers: ClinVar variation 792321 (VCV000792321.8), dbSNP rs759184113, ClinGen allele CA9926872.

ClinVar aggregate classification (germline): Likely benign. Review status: criteria provided, multiple submitters, no conflicts (2 of 4 stars). 2 submissions from 2 submitters: Likely benign (2). Last evaluated 2025-08-25.

Conditions:
GNAS-related disorder. Identifiers: MedGen CN380105.

Allele frequency attached by ClinVar (database versions not stated): ExAC 0.00001; TOPMed 0.00001; gnomAD exomes 0.00002.
gnomAD v4.1: 4 of 1,259,660 alleles (0.00032%); highest among the groups gnomAD compares: Admixed American, 0.0066%; no homozygotes.

Submissions (2):

Labcorp Genetics (formerly Invitae), Labcorp
Classification: Likely benign. Last evaluated: 2025-08-25. Review status: criteria provided, single submitter. Criteria: Invitae Variant Classification Sherloc (09022015). Collection method: clinical testing. Allele origin: germline.

PreventionGenetics, part of Exact Sciences
Classification: Likely benign for GNAS-related condition. Last evaluated: 2025-08-15. Review status: criteria provided, single submitter. Criteria: ACMG Guidelines, 2015. Collection method: clinical testing. Allele origin: germline.
Comment: This variant is classified as likely benign based on ACMG/AMP sequence variant interpretation guidelines (Richards et al. 2015 PMID: 25741868, with internal and published modifications).